The following is an entry in ClinVar:

ClinVar aggregate classification (germline): Likely pathogenic (1 of 4 stars; one submission).

Conditions:
Inborn genetic diseases. Identifiers: MedGen C0950123, MeSH D030342.

Submission:

Ambry Genetics
Classification: Likely pathogenic for Hereditary disease. Last evaluated: 2014-07-15. Review status: criteria provided, single submitter. Criteria: ambry_reporting_categories_2017. Collection method: clinical testing. Allele origin: germline. Affected: yes. Observed: 1 heterozygote. Segregation with disease observed.
Comment: Lines of evidence used in support of classification: LIKELY POSITIVE: Relevant Alteration(s) Detected

Literature cited by the submitters: PubMed 24360809; PubMed 28276201; PubMed 28886269.

NM_198173.3(GRHL3):c.1795C>G (p.Leu599Val)

Gene: GRHL3 (grainyhead like transcription factor 3; plus strand). Cytogenetic location: 1p36.11.
Variant type: single nucleotide variant.
Coding change: c.1795C>G on transcript NM_198173.3 (MANE Select); coding-DNA position 1795, C replaced by G.
Protein change: p.Leu599Val; replaces leucine 599 with valine.
Molecular consequence: missense variant. On other transcripts: intron variant (1).
Genome position (GRCh38, 1-based): chr1:24,354,474, C>G. VCF-style: chr1-24354474-C-G. GRCh37 (hg19) VCF-style: chr1-24680964-C-G.
Other names: c.1657C>G, p.Leu553Val (NM_001195010.2); c.1810C>G, p.Leu604Val (NM_021180.4); c.1694+4352C>G (NM_198174.3); short protein forms L599V, L604V, L553V.
Identifiers: ClinVar variation 208652 (VCV000208652.3), dbSNP rs797044857, ClinGen allele CA204609.